The following is an entry in ClinVar:

NM_001232.4(CASQ2):c.118A>G (p.Lys40Glu)

Gene: CASQ2 (calsequestrin 2; minus strand). Cytogenetic location: 1p13.1.
Variant type: single nucleotide variant.
Coding change: c.118A>G on transcript NM_001232.4 (MANE Select); coding-DNA position 118, A replaced by G.
Protein change: p.Lys40Glu; replaces lysine 40 with glutamic acid.
Molecular consequence: missense variant.
Genome position (GRCh38, 1-based): chr1:115,768,424, T>C on the plus strand (A>G on the coding strand, the complement: CASQ2 is on the minus strand). VCF-style: chr1-115768424-T-C. GRCh37 (hg19) VCF-style: chr1-116311045-T-C.
Other names: p.K40E:AAG>GAG; short protein forms K40E.
Identifiers: ClinVar variation 190757 (VCV000190757.10), dbSNP rs786205797, ClinGen allele CA301942.

ClinVar aggregate classification (germline): Uncertain significance. Review status: criteria provided, multiple submitters, no conflicts (2 of 4 stars). 5 submissions from 5 submitters: Uncertain significance (5). Last evaluated 2024-11-17.

Conditions:
Cardiovascular phenotype. Identifiers: MedGen CN230736.
Catecholaminergic polymorphic ventricular tachycardia 2. Also called: CASQ2-Related Catecholaminergic Polymorphic Ventricular Tachycardia; VENTRICULAR TACHYCARDIA, STRESS-INDUCED POLYMORPHIC 2. Identifiers: Orphanet 3286, MedGen C2677794, MONDO:0012762, OMIM 611938.
Catecholaminergic polymorphic ventricular tachycardia 1. Also called: RYR2-Related Catecholaminergic Polymorphic Ventricular Tachycardia; VENTRICULAR TACHYCARDIA, STRESS-INDUCED POLYMORPHIC 1; VENTRICULAR TACHYCARDIA, CATECHOLAMINERGIC POLYMORPHIC, 1, WITH OR WITHOUT ATRIAL DYSFUNCTION AND/OR DILATED CARDIOMYOPATHY. Identifiers: Orphanet 3286, MedGen C1631597, MONDO:0011484, OMIM 604772.

Allele frequency attached by ClinVar (database versions not stated): gnomAD exomes below 0.00001; TOPMed 0.00001.
gnomAD v4.1: 2 of 1,613,884 alleles (0.00012%); highest among the groups gnomAD compares: Non-Finnish European, 0.00017%; no homozygotes.

Submissions (5):

Ambry Genetics
Classification: Uncertain significance for Cardiovascular phenotype. Last evaluated: 2024-11-17. Review status: criteria provided, single submitter. Criteria: Ambry Variant Classification Scheme 2023. Collection method: clinical testing. Allele origin: germline.
Comment: The p.K40E variant (also known as c.118A>G), located in coding exon 1 of the CASQ2 gene, results from an A to G substitution at nucleotide position 118. The lysine at codon 40 is replaced by glutamic acid, an amino acid with similar properties. This amino acid position is conserved. In addition, the in silico prediction for this alteration is inconclusive. Since supporting evidence is limited at this time, the clinical significance of this alteration remains unclear.

Labcorp Genetics (formerly Invitae), Labcorp
Classification: Uncertain significance for Catecholaminergic polymorphic ventricular tachycardia 1. Last evaluated: 2024-03-15. Review status: criteria provided, single submitter. Criteria: Invitae Variant Classification Sherloc (09022015). Collection method: clinical testing. Allele origin: germline.
Comment: This sequence change replaces lysine, which is basic and polar, with glutamic acid, which is acidic and polar, at codon 40 of the CASQ2 protein (p.Lys40Glu). This variant is not present in population databases (gnomAD no frequency). This variant has not been reported in the literature in individuals affected with CASQ2-related conditions. ClinVar contains an entry for this variant (Variation ID: 190757). Advanced modeling of protein sequence and biophysical properties (such as structural, functional, and spatial information, amino acid conservation, physicochemical variation, residue mobility, and thermodynamic stability) has been performed at Invitae for this missense variant, however the output from this modeling did not meet the statistical confidence thresholds required to predict the impact of this variant on CASQ2 protein function. In summary, the available evidence is currently insufficient to determine the role of this variant in disease. Therefore, it has been classified as a Variant of Uncertain Significance.

Genome-Nilou Lab
Classification: Uncertain significance for Catecholaminergic polymorphic ventricular tachycardia 2. Last evaluated: 2023-04-11. Review status: criteria provided, single submitter. Criteria: ACMG Guidelines, 2015. Collection method: clinical testing. Allele origin: germline. Affected: no.

MVZ Martinsried, Medicover Genetics
Classification: Uncertain significance for Catecholaminergic polymorphic ventricular tachycardia 2. Last evaluated: 2016-12-29. Review status: criteria provided, single submitter. Criteria: ACMG Guidelines, 2015. Collection method: clinical testing. Allele origin: unknown. Affected: yes.

GeneDx
Classification: Uncertain significance. Last evaluated: 2015-02-05. Review status: criteria provided, single submitter. Criteria: GeneDx Variant Classification (06012015). Collection method: clinical testing. Allele origin: germline. Affected: yes.
Comment: p.Lys40Glu (AAG>GAG): c.118 A>G in exon 1 of the CASQ2 gene (NM_001232.3) The K40E variant has not been published as a mutation, nor has it been reported as a benign polymorphism to our knowledge. The K40E variant was not observed in approximately 6,500 individuals of European and African American ancestry in the NHLBI Exome Sequencing Project, indicating it is not a common benign variant in these populations. The K40E variant is a non- conservative amino acid substitution, which is likely to impact secondary protein structure as these residues differ in polarity, charge, size and/or other properties. Additionally, this substitution occurs at a position that is conserved among mammals. However, in silico analysis is inconsistent in its predictions as to whether or not the variant is damaging to the protein structure/function. Furthermore, only one missense mutation in a nearby residue (R33Q) has been reported in association with CPVT, indicating this region of the protein may be tolerant of change. Therefore, based on the currently available information, it is unclear whether this variant is a pathogenic mutation or a rare benign variant. The variant is found in ARRHYTHMIA panel(s).